The following is an entry in ClinVar:

NM_000718.4(CACNA1B):c.2959C>A (p.Pro987Thr)

Gene: CACNA1B (calcium voltage-gated channel subunit alpha1 B; plus strand). Cytogenetic location: 9q34.3.
Variant type: single nucleotide variant.
Coding change: c.2959C>A on transcript NM_000718.4 (MANE Select); coding-DNA position 2959, C replaced by A.
Protein change: p.Pro987Thr; replaces proline 987 with threonine.
Molecular consequence: missense variant.
Genome position (GRCh38, 1-based): chr9:138,023,702, C>A. VCF-style: chr9-138023702-C-A. GRCh37 (hg19) VCF-style: chr9-140918154-C-A.
Other names: c.2959C>A, p.Pro987Thr (NM_001243812.2); short protein forms P987T.
Identifiers: ClinVar variation 1991843 (VCV001991843.2), dbSNP rs772589388, ClinGen allele CA5376507.

ClinVar aggregate classification (germline): Uncertain significance (1 of 4 stars; one submission).

Allele frequency attached by ClinVar (database versions not stated): TOPMed 0.00002; gnomAD 0.00004.
gnomAD v4.1: 7 of 1,539,728 alleles (0.00045%); highest among the groups gnomAD compares: African/African-American, 0.0084%; no homozygotes.

Submission:

Labcorp Genetics (formerly Invitae), Labcorp
Classification: Uncertain significance. Last evaluated: 2025-06-02. Review status: criteria provided, single submitter. Criteria: Invitae Variant Classification Sherloc (09022015). Collection method: clinical testing. Allele origin: germline.
Comment: This sequence change replaces proline, which is neutral and non-polar, with threonine, which is neutral and polar, at codon 987 of the CACNA1B protein (p.Pro987Thr). This variant is present in population databases (rs772589388, gnomAD 0.02%). This variant has not been reported in the literature in individuals affected with CACNA1B-related conditions. ClinVar contains an entry for this variant (Variation ID: 1991843). Invitae Evidence Modeling of protein sequence and biophysical properties (such as structural, functional, and spatial information, amino acid conservation, physicochemical variation, residue mobility, and thermodynamic stability) indicates that this missense variant is not expected to disrupt CACNA1B protein function with a negative predictive value of 80%. In summary, the available evidence is currently insufficient to determine the role of this variant in disease. Therefore, it has been classified as a Variant of Uncertain Significance.